The following is an entry in ClinVar:

NM_002887.4(RARS1):c.1738C>T (p.Arg580Trp)

Gene: RARS1 (arginyl-tRNA synthetase 1; plus strand). Cytogenetic location: 5q34.
Variant type: single nucleotide variant.
Coding change: c.1738C>T on transcript NM_002887.4 (MANE Select); coding-DNA position 1738, C replaced by T.
Protein change: p.Arg580Trp; replaces arginine 580 with tryptophan.
Molecular consequence: missense variant.
Genome position (GRCh38, 1-based): chr5:168,517,927, C>T. VCF-style: chr5-168517927-C-T. GRCh37 (hg19) VCF-style: chr5-167944932-C-T.
Other names: short protein forms R580W.
Identifiers: ClinVar variation 2179135 (VCV002179135.4), dbSNP rs201906728, ClinGen allele CA3549999.

ClinVar aggregate classification (germline): Uncertain significance (1 of 4 stars; one submission).

Allele frequency attached by ClinVar (database versions not stated): ExAC 0.00002; gnomAD 0.00003; TOPMed 0.00003; gnomAD exomes 0.00005; 1000 Genomes Project 30x 0.00016; 1000 Genomes Project 0.00020.
gnomAD v4.1: 84 of 1,613,790 alleles (0.0052%); highest among the groups gnomAD compares: Non-Finnish European, 0.0067%; no homozygotes.

Submission:

Labcorp Genetics (formerly Invitae), Labcorp
Classification: Uncertain significance. Last evaluated: 2022-02-11. Review status: criteria provided, single submitter. Criteria: Invitae Variant Classification Sherloc (09022015). Collection method: clinical testing. Allele origin: germline.
Comment: In summary, the available evidence is currently insufficient to determine the role of this variant in disease. Therefore, it has been classified as a Variant of Uncertain Significance. Algorithms developed to predict the effect of missense changes on protein structure and function (SIFT, PolyPhen-2, Align-GVGD) all suggest that this variant is likely to be disruptive. This variant has not been reported in the literature in individuals affected with RARS-related conditions. This variant is present in population databases (rs201906728, gnomAD 0.005%). This sequence change replaces arginine, which is basic and polar, with tryptophan, which is neutral and slightly polar, at codon 580 of the RARS protein (p.Arg580Trp).